The following is an entry in ClinVar:

ClinVar aggregate classification (germline): Likely pathogenic (1 of 4 stars; one submission).

Conditions:
Perlman syndrome (PRLMNS). Identifiers: Orphanet 2849, MedGen C0796113, MONDO:0009965, OMIM 267000.

Submission:

Labcorp Genetics (formerly Invitae), Labcorp
Classification: Likely pathogenic for Perlman syndrome. Last evaluated: 2022-08-18. Review status: criteria provided, single submitter. Criteria: Invitae Variant Classification Sherloc (09022015). Collection method: clinical testing. Allele origin: germline.
Comment: This sequence change affects an acceptor splice site in intron 4 of the DIS3L2 gene. It is expected to disrupt RNA splicing. Variants that disrupt the donor or acceptor splice site typically lead to a loss of protein function (PMID: 16199547), and loss-of-function variants in DIS3L2 are known to be pathogenic (PMID: 22306653, 28328139). This variant is not present in population databases (gnomAD no frequency). This variant has not been reported in the literature in individuals affected with DIS3L2-related conditions. Algorithms developed to predict the effect of sequence changes on RNA splicing suggest that this variant may disrupt the consensus splice site. In summary, the currently available evidence indicates that the variant is pathogenic, but additional data are needed to prove that conclusively. Therefore, this variant has been classified as Likely Pathogenic.

Literature cited by the submitters: PubMed 16199547; PubMed 22306653; PubMed 28328139.

NM_152383.5(DIS3L2):c.265-1G>A

Gene: DIS3L2 (DIS3 like 3'-5' exoribonuclease 2; plus strand). Cytogenetic location: 2q37.1.
Variant type: single nucleotide variant.
Coding change: c.265-1G>A on transcript NM_152383.5 (MANE Select); the canonical splice acceptor site of the intron before coding-DNA position 265, G replaced by A.
Molecular consequence: splice acceptor variant.
Genome position (GRCh38, 1-based): chr2:232,029,978, G>A. VCF-style: chr2-232029978-G-A. GRCh37 (hg19) VCF-style: chr2-232894688-G-A.
Other names: c.265-1G>A (NM_001257281.2, NM_001257282.2).
Identifiers: ClinVar variation 2024583 (VCV002024583.4), dbSNP rs2469623369, ClinGen allele CA351152839.